The following is an entry in ClinVar:

ClinVar aggregate classification (germline): Uncertain significance (1 of 4 stars; one submission).

Allele frequency attached by ClinVar (database versions not stated): gnomAD exomes below 0.00001; gnomAD 0.00001; TOPMed 0.00001.
gnomAD v4.1: 3 of 1,614,084 alleles (0.00019%); highest among the groups gnomAD compares: Non-Finnish European, 0.00025%; no homozygotes.

Submission:

Labcorp Genetics (formerly Invitae), Labcorp
Classification: Uncertain significance. Last evaluated: 2022-09-23. Review status: criteria provided, single submitter. Criteria: Invitae Variant Classification Sherloc (09022015). Collection method: clinical testing. Allele origin: germline.
Comment: This sequence change replaces arginine, which is basic and polar, with lysine, which is basic and polar, at codon 378 of the MAP3K8 protein (p.Arg378Lys). This variant is not present in population databases (gnomAD no frequency). This variant has not been reported in the literature in individuals affected with MAP3K8-related conditions. Algorithms developed to predict the effect of missense changes on protein structure and function output the following: SIFT: "Tolerated"; PolyPhen-2: "Benign"; Align-GVGD: "Class C0". The lysine amino acid residue is found in multiple mammalian species, which suggests that this missense change does not adversely affect protein function. In summary, the available evidence is currently insufficient to determine the role of this variant in disease. Therefore, it has been classified as a Variant of Uncertain Significance.

NM_005204.4(MAP3K8):c.1133G>A (p.Arg378Lys)

Gene: MAP3K8 (mitogen-activated protein kinase kinase kinase 8; plus strand). Cytogenetic location: 10p11.23.
Variant type: single nucleotide variant.
Coding change: c.1133G>A on transcript NM_005204.4 (MANE Select); coding-DNA position 1133, G replaced by A.
Protein change: p.Arg378Lys; replaces arginine 378 with lysine.
Molecular consequence: missense variant.
Genome position (GRCh38, 1-based): chr10:30,459,361, G>A. VCF-style: chr10-30459361-G-A. GRCh37 (hg19) VCF-style: chr10-30748290-G-A.
Other names: c.1133G>A, p.Arg378Lys (NM_001244134.1, NM_001320961.2); short protein forms R378K.
Identifiers: ClinVar variation 1919515 (VCV001919515.5), dbSNP rs1321200473, ClinGen allele CA376432272.